The following is an entry in ClinVar:

ClinVar aggregate classification (germline): Uncertain significance. Review status: criteria provided, multiple submitters, no conflicts (2 of 4 stars). 4 submissions from 4 submitters: Uncertain significance (4). Last evaluated 2024-11-18.

Conditions:
Inborn genetic diseases. Identifiers: MedGen C0950123, MeSH D030342.

Allele frequency attached by ClinVar (database versions not stated): TOPMed 0.00010; gnomAD 0.00011 and 0.00012; ESP Exome Variant Server 0.00015; ExAC 0.00016; gnomAD exomes 0.00019.
gnomAD v4.1: 289 of 1,612,508 alleles (0.018%); highest among the groups gnomAD compares: South Asian, 0.055%; no homozygotes.

Submissions (4):

Blueprint Genetics
Classification: Uncertain significance. Last evaluated: 2024-11-18. Review status: criteria provided, single submitter. Criteria: ACMG Guidelines, 2015. Collection method: clinical testing. Allele origin: germline.

Labcorp Genetics (formerly Invitae), Labcorp
Classification: Uncertain significance. Last evaluated: 2022-06-10. Review status: criteria provided, single submitter. Criteria: Invitae Variant Classification Sherloc (09022015). Collection method: clinical testing. Allele origin: germline.
Comment: This sequence change replaces arginine, which is basic and polar, with cysteine, which is neutral and slightly polar, at codon 450 of the CDT1 protein (p.Arg450Cys). This variant is present in population databases (rs139052420, gnomAD 0.06%). This variant has not been reported in the literature in individuals affected with CDT1-related conditions. ClinVar contains an entry for this variant (Variation ID: 808141). Algorithms developed to predict the effect of missense changes on protein structure and function are either unavailable or do not agree on the potential impact of this missense change (SIFT: "Deleterious"; PolyPhen-2: "Benign"; Align-GVGD: "Class C0"). In summary, the available evidence is currently insufficient to determine the role of this variant in disease. Therefore, it has been classified as a Variant of Uncertain Significance.

Ambry Genetics
Classification: Uncertain significance for Inborn genetic diseases. Last evaluated: 2021-09-17. Review status: criteria provided, single submitter. Criteria: Ambry Variant Classification Scheme 2023. Collection method: clinical testing. Allele origin: germline.

CeGaT Center for Human Genetics Tuebingen
Classification: Uncertain significance. Last evaluated: 2016-10-01. Review status: criteria provided, single submitter. Criteria: CeGaT Center For Human Genetics Tuebingen Variant Classification Criteria Version 2. Collection method: clinical testing. Allele origin: germline. Affected: yes. Observed: 1 variant allele.

NM_030928.4(CDT1):c.1348C>T (p.Arg450Cys)

Gene: CDT1 (chromatin licensing and DNA replication factor 1; plus strand). Cytogenetic location: 16q24.3.
Variant type: single nucleotide variant.
Coding change: c.1348C>T on transcript NM_030928.4 (MANE Select); coding-DNA position 1348, C replaced by T.
Protein change: p.Arg450Cys; replaces arginine 450 with cysteine.
Molecular consequence: missense variant.
Genome position (GRCh38, 1-based): chr16:88,807,353, C>T. VCF-style: chr16-88807353-C-T. GRCh37 (hg19) VCF-style: chr16-88873761-C-T.
Other names: c.1348C>T (NM_030928.3); short protein forms R450C.
Identifiers: ClinVar variation 808141 (VCV000808141.48), dbSNP rs139052420, ClinGen allele CA8234131.